The following is an entry in ClinVar:

NM_001369.3(DNAH5):c.11620C>G (p.His3874Asp)

Gene: DNAH5 (dynein axonemal heavy chain 5; minus strand). Cytogenetic location: 5p15.2.
Variant type: single nucleotide variant.
Coding change: c.11620C>G on transcript NM_001369.3 (MANE Select); coding-DNA position 11620, C replaced by G.
Protein change: p.His3874Asp; replaces histidine 3874 with aspartic acid.
Molecular consequence: missense variant.
Genome position (GRCh38, 1-based): chr5:13,735,272, G>C on the plus strand (C>G on the coding strand, the complement: DNAH5 is on the minus strand). VCF-style: chr5-13735272-G-C. GRCh37 (hg19) VCF-style: chr5-13735381-G-C.
Other names: short protein forms H3874D.
Identifiers: ClinVar variation 2628503 (VCV002628503.1), dbSNP rs2546561481, ClinGen allele CA359223459.

ClinVar aggregate classification (germline): Uncertain significance (1 of 4 stars; one submission).

Conditions:
DNAH5-related disorder. Also called: DNAH5-related condition.

Allele frequency attached by ClinVar (database versions not stated): gnomAD exomes below 0.00001.
gnomAD v4.1: 2 of 1,614,112 alleles (0.00012%); highest among the groups gnomAD compares: Non-Finnish European, 0.00017%; no homozygotes.

Submission:

PreventionGenetics, part of Exact Sciences
Classification: Uncertain significance for DNAH5-related condition. Last evaluated: 2022-12-21. Review status: criteria provided, single submitter. Criteria: ACMG Guidelines, 2015. Collection method: clinical testing. Allele origin: germline.
Comment: The DNAH5 c.11620C>G variant is predicted to result in the amino acid substitution p.His3874Asp. To our knowledge, this variant has not been reported in the literature or in a large population database, indicating this variant is rare. At this time, the clinical significance of this variant is uncertain due to the absence of conclusive functional and genetic evidence.